The following is an entry in ClinVar:

NM_024685.4(BBS10):c.791T>G (p.Ile264Ser)

Gene: BBS10 (Bardet-Biedl syndrome 10; minus strand). Cytogenetic location: 12q21.2.
Variant type: single nucleotide variant.
Coding change: c.791T>G on transcript NM_024685.4 (MANE Select); coding-DNA position 791, T replaced by G.
Protein change: p.Ile264Ser; replaces isoleucine 264 with serine.
Molecular consequence: missense variant.
Genome position (GRCh38, 1-based): chr12:76,347,194, A>C on the plus strand (T>G on the coding strand, the complement: BBS10 is on the minus strand). VCF-style: chr12-76347194-A-C. GRCh37 (hg19) VCF-style: chr12-76740974-A-C.
Other names: c.791T>G (NM_024685.3); short protein forms I264S.
Identifiers: ClinVar variation 1503213 (VCV001503213.6), dbSNP rs1236502453, ClinGen allele CA385814172.

ClinVar aggregate classification (germline): Uncertain significance. Review status: criteria provided, multiple submitters, no conflicts (2 of 4 stars). 2 submissions from 2 submitters: Uncertain significance (2). Last evaluated 2025-04-18.

Conditions:
Inborn genetic diseases. Identifiers: MedGen C0950123, MeSH D030342.
Bardet-Biedl syndrome (BBS). Identifiers: Orphanet 110, MedGen C0752166, MONDO:0015229.

Allele frequency attached by ClinVar (database versions not stated): TOPMed 0.00003.

Submissions (2):

Ambry Genetics
Classification: Uncertain significance for Inborn genetic diseases. Last evaluated: 2025-04-18. Review status: criteria provided, single submitter. Criteria: Ambry Variant Classification Scheme 2023. Collection method: clinical testing. Allele origin: germline.

Labcorp Genetics (formerly Invitae), Labcorp
Classification: Uncertain significance for Bardet-Biedl syndrome. Last evaluated: 2022-09-27. Review status: criteria provided, single submitter. Criteria: Invitae Variant Classification Sherloc (09022015). Collection method: clinical testing. Allele origin: germline.
Comment: This sequence change replaces isoleucine, which is neutral and non-polar, with serine, which is neutral and polar, at codon 264 of the BBS10 protein (p.Ile264Ser). This variant is not present in population databases (gnomAD no frequency). This variant has not been reported in the literature in individuals affected with BBS10-related conditions. ClinVar contains an entry for this variant (Variation ID: 1503213). Algorithms developed to predict the effect of missense changes on protein structure and function (SIFT, PolyPhen-2, Align-GVGD) all suggest that this variant is likely to be disruptive. In summary, the available evidence is currently insufficient to determine the role of this variant in disease. Therefore, it has been classified as a Variant of Uncertain Significance.